The following is an entry in ClinVar:

ClinVar aggregate classification (germline): Uncertain significance (1 of 4 stars; one submission).

gnomAD v4.1: 1 of 1,614,110 alleles (0.000062%); highest among the groups gnomAD compares: Non-Finnish European, 0.000085%; no homozygotes.

Submission:

GeneDx
Classification: Uncertain significance. Last evaluated: 2024-04-06. Review status: criteria provided, single submitter. Criteria: GeneDx Variant Classification Process June 2021. Collection method: clinical testing. Allele origin: germline.
Comment: Not observed at significant frequency in large population cohorts (gnomAD); In silico analysis supports that this missense variant has a deleterious effect on protein structure/function; Has not been previously published as pathogenic or benign to our knowledge; Variants in candidate genes are classified as variants of uncertain significance in accordance with ACMG guidelines (PMID: 25741868)

NM_002332.3(LRP1):c.665T>C (p.Ile222Thr)

Genes: LRP1 (LDL receptor related protein 1; plus strand), LRP1-AS (LRP1 antisense RNA; minus strand). Cytogenetic location: 12q13.3.
Variant type: single nucleotide variant.
Coding change: c.665T>C on transcript NM_002332.3 (MANE Select); coding-DNA position 665, T replaced by C.
Protein change: p.Ile222Thr; replaces isoleucine 222 with threonine.
Molecular consequence: missense variant.
Genome position (GRCh38, 1-based): chr12:57,145,314, T>C. VCF-style: chr12-57145314-T-C. GRCh37 (hg19) VCF-style: chr12-57539097-T-C.
Other names: short protein forms I222T.
Identifiers: ClinVar variation 4976673 (VCV004976673.1).